The following is an entry in ClinVar:

NM_000091.5(COL4A3):c.3269C>T (p.Pro1090Leu)

Genes: MFF-DT (MFF divergent transcript; minus strand), COL4A3 (collagen type IV alpha 3 chain; plus strand). Cytogenetic location: 2q36.3.
Variant type: single nucleotide variant.
Coding change: c.3269C>T on transcript NM_000091.5 (MANE Select); coding-DNA position 3269, C replaced by T.
Protein change: p.Pro1090Leu; replaces proline 1090 with leucine.
Molecular consequence: missense variant.
Genome position (GRCh38, 1-based): chr2:227,293,249, C>T. VCF-style: chr2-227293249-C-T. GRCh37 (hg19) VCF-style: chr2-228157965-C-T.
Other names: short protein forms P1090L.
Identifiers: ClinVar variation 2267905 (VCV002267905.5), dbSNP rs936562088, ClinGen allele CA66608142.
Genomic context (GRCh38, chr2:227,293,249, plus strand): 5'-AGGGGGATCCAGGACTGCCGGGTGATATGGGAAAGAAAGGAGAAATGGGGCAACCTGGCC[C>T]ACCTGGACATTTGGGGCCTGCTGGACCTGAGGGAGCCCCTGGAAGTCCTGGAAGTCCTGG-3'
Protein context (NP_000082.2, residues 1080-1100): GKKGEMGQPG[Pro1090Leu]PGHLGPAGPE

ClinVar aggregate classification (germline): Uncertain significance. Review status: criteria provided, multiple submitters, no conflicts (2 of 4 stars). 3 submissions from 3 submitters: Uncertain significance (3). Last evaluated 2024-11-11.

Conditions:
Autosomal dominant Alport syndrome (ATS3A). Also called: ALPORT SYNDROME 3A, AUTOSOMAL DOMINANT; Alport syndrome dominant type; Renal failure and sensorineural hearing loss. Identifiers: Orphanet 63, Orphanet 88918, MedGen C5882663, MONDO:0007086, OMIM 104200.
Hematuria, benign familial, 2 (BFH2). Identifiers: MedGen C5830421, MONDO:0958186, OMIM 620320.
Alport syndrome 3b, autosomal recessive. Identifiers: MedGen C5882699, MONDO:0957811, OMIM 620536.
Inborn genetic diseases. Identifiers: MedGen C0950123, MeSH D030342.

Allele frequency attached by ClinVar (database versions not stated): TOPMed below 0.00001.

Submissions (3):

Labcorp Genetics (formerly Invitae), Labcorp
Classification: Uncertain significance. Last evaluated: 2024-11-11. Review status: criteria provided, single submitter. Criteria: Invitae Variant Classification Sherloc (09022015). Collection method: clinical testing. Allele origin: germline.
Comment: This sequence change replaces proline, which is neutral and non-polar, with leucine, which is neutral and non-polar, at codon 1090 of the COL4A3 protein (p.Pro1090Leu). This variant is not present in population databases (gnomAD no frequency). This variant has not been reported in the literature in individuals affected with COL4A3-related conditions. ClinVar contains an entry for this variant (Variation ID: 2267905). Invitae Evidence Modeling of protein sequence and biophysical properties (such as structural, functional, and spatial information, amino acid conservation, physicochemical variation, residue mobility, and thermodynamic stability) indicates that this missense variant is not expected to disrupt COL4A3 protein function with a negative predictive value of 95%. In summary, the available evidence is currently insufficient to determine the role of this variant in disease. Therefore, it has been classified as a Variant of Uncertain Significance.

Fulgent Genetics
Classification: Uncertain significance for Autosomal dominant Alport syndrome; Hematuria, benign familial, 2; Alport syndrome 3b, autosomal recessive. Last evaluated: 2024-05-21. Review status: criteria provided, single submitter. Criteria: ACMG Guidelines, 2015. Collection method: clinical testing. Allele origin: germline.

Ambry Genetics
Classification: Uncertain significance for Inborn genetic diseases. Last evaluated: 2021-12-17. Review status: criteria provided, single submitter. Criteria: Ambry Variant Classification Scheme 2023. Collection method: clinical testing. Allele origin: germline.